The following is an entry in ClinVar:

NM_001267550.2(TTN):c.58352G>A (p.Arg19451His)

Genes: TTN (titin; minus strand), TTN-AS1 (TTN antisense RNA 1; plus strand). Cytogenetic location: 2q31.2.
Variant type: single nucleotide variant.
Coding change: c.58352G>A on transcript NM_001267550.2 (MANE Select); coding-DNA position 58352, G replaced by A.
Protein change: p.Arg19451His; replaces arginine 19451 with histidine.
Molecular consequence: missense variant.
Genome position (GRCh38, 1-based): chr2:178,594,041, C>T on the plus strand (G>A on the coding strand, the complement: TTN is on the minus strand). VCF-style: chr2-178594041-C-T. GRCh37 (hg19) VCF-style: chr2-179458768-C-T.
Other names: c.53429G>A, p.Arg17810His (NM_001256850.1); c.31157G>A, p.Arg10386His (NM_003319.4); c.50648G>A, p.Arg16883His (NM_133378.4); c.31532G>A, p.Arg10511His (NM_133432.3); c.31733G>A, p.Arg10578His (NM_133437.4); short protein forms R10386H, R10511H, R10578H, R16883H, R17810H, R19451H.
Identifiers: ClinVar variation 2684095 (VCV002684095.1), dbSNP rs760068789, ClinGen allele CA1992878.
Genomic context (GRCh38, chr2:178,594,041, plus strand): 5'-AAACCTTTCCTAGAGCCTGTACTGTTCTCCACAACCACACAGTATTTGCCGGAATCTGAA[C>T]GTTTGGCCTTGATCTTCTCTAAAGCAAGTGTTGCTGGTGTAGTCTTTATATGAGTGCGAT-3'
Protein context (NP_001254479.2, residues 19441-19461): TLALEKIKAK[Arg19451His]SDSGKYCVVV

ClinVar aggregate classification (germline): Uncertain significance (1 of 4 stars; one submission).

Allele frequency attached by ClinVar (database versions not stated): ExAC 0.00001; gnomAD 0.00001; gnomAD exomes 0.00001; TOPMed 0.00001.
gnomAD v4.1: 14 of 1,613,362 alleles (0.00087%); highest among the groups gnomAD compares: South Asian, 0.0033%; no homozygotes.

Submission:

Athena Diagnostics
Classification: Uncertain significance. Last evaluated: 2023-05-03. Review status: criteria provided, single submitter. Criteria: Athena Diagnostics Criteria. Collection method: clinical testing. Allele origin: unknown.
Comment: Available data are insufficient to determine the clinical significance of the variant at this time. The frequency of this variant in the general population is uninformative in assessment of its pathogenicity. Computational tools predict that this variant is damaging.